The following is an entry in ClinVar:

ClinVar aggregate classification (germline): Likely benign. Review status: criteria provided, multiple submitters, no conflicts (2 of 4 stars). 6 submissions from 6 submitters: Likely benign (6). Last evaluated 2026-02-01.

Conditions:
Inborn genetic diseases. Identifiers: MedGen C0950123, MeSH D030342.
Intellectual developmental disorder, autosomal recessive 5. Also called: Intellectual disability, autosomal recessive 5. Identifiers: Orphanet 88616, MedGen C1970199, MONDO:0012613, OMIM 611091.

Allele frequency attached by ClinVar (database versions not stated): 1000 Genomes Project 30x 0.00031; 1000 Genomes Project 0.00040; TOPMed 0.00043; ESP Exome Variant Server 0.00046; gnomAD 0.00051 and 0.00055; gnomAD exomes 0.00081 and 0.00082; ExAC 0.00092.
gnomAD v4.1: 1,306 of 1,614,012 alleles (0.081%); highest among the groups gnomAD compares: South Asian, 0.19%; 4 homozygotes.

Submissions (6):

CeGaT Center for Human Genetics Tuebingen
Classification: Likely benign. Last evaluated: 2026-02-01. Review status: criteria provided, single submitter. Criteria: CeGaT Center For Human Genetics Tuebingen Variant Classification Criteria Version 2. Collection method: clinical testing. Allele origin: germline. Affected: yes. Observed: 3 variant alleles.
Comment: NSUN2: BP4

Labcorp Genetics (formerly Invitae), Labcorp
Classification: Likely benign. Last evaluated: 2025-11-12. Review status: criteria provided, single submitter. Criteria: Invitae Variant Classification Sherloc (09022015). Collection method: clinical testing. Allele origin: germline.

Ambry Genetics
Classification: Likely benign for Inborn genetic diseases. Last evaluated: 2024-12-05. Review status: criteria provided, single submitter. Criteria: Ambry Variant Classification Scheme 2023. Collection method: clinical testing. Allele origin: germline.

Blueprint Genetics
Classification: Likely benign. Last evaluated: 2024-10-23. Review status: criteria provided, single submitter. Criteria: ACMG Guidelines, 2015. Collection method: clinical testing. Allele origin: germline.

Illumina Laboratory Services, Illumina
Classification: Likely benign for Intellectual developmental disorder, autosomal recessive 5. Last evaluated: 2018-01-12. Review status: criteria provided, single submitter. Criteria: ICSL Variant Classification Criteria 13 December 2019. Collection method: clinical testing. Allele origin: germline.
Comment: This variant was observed in the ICSL laboratory as part of a predisposition screen in an ostensibly healthy population. It had not been previously curated by ICSL or reported in the Human Gene Mutation Database (HGMD: prior to June 1st, 2018), and was therefore a candidate for classification through an automated scoring system. Utilizing variant allele frequency, disease prevalence and penetrance estimates, and inheritance mode, an automated score was calculated to assess if this variant is too frequent to cause the disease. Based on the score and internal cut-off values, a variant classified as likely benign is not then subjected to further curation. The score for this variant resulted in a classification of likely benign for this disease.

Genetic Services Laboratory, University of Chicago
Classification: Likely benign. Last evaluated: 2015-11-04. Review status: criteria provided, single submitter. Criteria: ACMG Guidelines, 2015. Collection method: clinical testing. Allele origin: germline. Affected: no.

NM_017755.6(NSUN2):c.2272T>C (p.Cys758Arg)

Gene: NSUN2 (NOP2/Sun RNA methyltransferase 2; minus strand). Cytogenetic location: 5p15.31.
Variant type: single nucleotide variant.
Coding change: c.2272T>C on transcript NM_017755.6 (MANE Select); coding-DNA position 2272, T replaced by C.
Protein change: p.Cys758Arg; replaces cysteine 758 with arginine.
Molecular consequence: missense variant. On other transcripts: non-coding transcript variant (1).
Genome position (GRCh38, 1-based): chr5:6,599,958, A>G on the plus strand (T>C on the coding strand, the complement: NSUN2 is on the minus strand). VCF-style: chr5-6599958-A-G. GRCh37 (hg19) VCF-style: chr5-6600071-A-G.
Other names: c.2167T>C, p.Cys723Arg (NM_001193455.2); short protein forms C758R, C723R.
Identifiers: ClinVar variation 211760 (VCV000211760.31), dbSNP rs149244771, ClinGen allele CA206293.